The following is an entry in ClinVar:

ClinVar aggregate classification (germline): Benign/Likely benign. Review status: criteria provided, multiple submitters, no conflicts (2 of 4 stars). 5 submissions from 5 submitters: Benign (2); Likely benign (2). 1 of the submissions does not count toward it. Last evaluated 2026-01-15.

Conditions:
GLI2-related disorder. Also called: GLI2-related disorders; GLI2-related condition.
Holoprosencephaly 9 (HPE9). Also called: HOLOPROSENCEPHALY WITH MICROPHTHALMIA AND FIRST BRANCHIAL ARCH ANOMALIES; PITUITARY ANOMALIES WITH HOLOPROSENCEPHALY-LIKE FEATURES. Identifiers: Orphanet 2162, MedGen C1835819, MONDO:0012563, OMIM 610829.
Postaxial polydactyly-anterior pituitary anomalies-facial dysmorphism syndrome. Also called: Culler-Jones syndrome. Identifiers: Orphanet 420584, MedGen C4014479, MONDO:0014369, OMIM 615849.

Allele frequency attached by ClinVar (database versions not stated): gnomAD exomes 0.00014 and 0.00037; ExAC 0.00039; gnomAD 0.00099 and 0.00101; TOPMed 0.00104; ESP Exome Variant Server 0.00138; 1000 Genomes Project 0.00200; 1000 Genomes Project 30x 0.00203.
gnomAD v4.1: 380 of 1,614,054 alleles (0.024%); highest among the groups gnomAD compares: African/African-American, 0.3%; 1 homozygote.

Submissions (5):

Labcorp Genetics (formerly Invitae), Labcorp
Classification: Benign for Postaxial polydactyly-anterior pituitary anomalies-facial dysmorphism syndrome; Holoprosencephaly 9. Last evaluated: 2026-01-15. Review status: criteria provided, single submitter. Criteria: Invitae Variant Classification Sherloc (09022015). Collection method: clinical testing. Allele origin: germline.

Blueprint Genetics
Classification: Likely benign. Last evaluated: 2024-10-23. Review status: criteria provided, single submitter. Criteria: ACMG Guidelines, 2015. Collection method: clinical testing. Allele origin: germline.

Illumina Laboratory Services, Illumina
Classification: Benign for Holoprosencephaly 9. Last evaluated: 2018-01-12. Review status: criteria provided, single submitter. Criteria: ICSL Variant Classification Criteria 13 December 2019. Collection method: clinical testing. Allele origin: germline.
Comment: This variant was observed in the ICSL laboratory as part of a predisposition screen in an ostensibly healthy population. It had not been previously curated by ICSL or reported in the Human Gene Mutation Database (HGMD: prior to June 1st, 2018), and was therefore a candidate for classification through an automated scoring system. Utilizing variant allele frequency, disease prevalence and penetrance estimates, and inheritance mode, an automated score was calculated to assess if this variant is too frequent to cause the disease. Based on the score and internal cut-off values, a variant classified as benign is not then subjected to further curation. The score for this variant resulted in a classification of benign for this disease.

Genetic Services Laboratory, University of Chicago
Classification: Likely benign. Last evaluated: 2016-04-15. Review status: criteria provided, single submitter. Criteria: ACMG Guidelines, 2015. Collection method: clinical testing. Allele origin: germline. Affected: no.

PreventionGenetics, part of Exact Sciences
Classification: Likely benign for GLI2-related condition. Last evaluated: 2019-10-10. Review status: no assertion criteria provided. Collection method: clinical testing. Allele origin: germline. Not counted in ClinVar's aggregate classification.
Comment: This variant is classified as likely benign based on ACMG/AMP sequence variant interpretation guidelines (Richards et al. 2015 PMID: 25741868, with internal and published modifications).

NM_001374353.1(GLI2):c.4446T>C (p.Thr1482=)

Gene: GLI2 (GLI family zinc finger 2; plus strand). Cytogenetic location: 2q14.2.
Variant type: single nucleotide variant.
Coding change: c.4446T>C on transcript NM_001374353.1 (MANE Select); coding-DNA position 4446, T replaced by C.
Protein change: p.Thr1482=; no amino-acid change (threonine 1482 retained).
Molecular consequence: synonymous variant.
Genome position (GRCh38, 1-based): chr2:120,990,411, T>C. VCF-style: chr2-120990411-T-C. GRCh37 (hg19) VCF-style: chr2-121747987-T-C.
Other names: c.4497T>C, p.Thr1499= (NM_001371271.1, NM_005270.5); c.4071T>C, p.Thr1357= (NM_001374354.1).
Identifiers: ClinVar variation 330998 (VCV000330998.20), dbSNP rs151090814, ClinGen allele CA1852633.